The following is an entry in ClinVar:

NM_006648.4(WNK2):c.1477A>G (p.Asn493Asp)

Gene: WNK2 (WNK lysine deficient protein kinase 2; plus strand). Cytogenetic location: 9q22.31.
Variant type: single nucleotide variant.
Coding change: c.1477A>G on transcript NM_006648.4 (MANE Select); coding-DNA position 1477, A replaced by G.
Protein change: p.Asn493Asp; replaces asparagine 493 with aspartic acid.
Molecular consequence: missense variant.
Genome position (GRCh38, 1-based): chr9:93,239,911, A>G. VCF-style: chr9-93239911-A-G. GRCh37 (hg19) VCF-style: chr9-96002193-A-G.
Other names: c.1477A>G, p.Asn493Asp (NM_001282394.3); short protein forms N493D.
Identifiers: ClinVar variation 4826238 (VCV004826238.1).

ClinVar aggregate classification (germline): Uncertain significance (1 of 4 stars; one submission).

Submission:

Ambry Genetics
Classification: Uncertain significance. Last evaluated: 2026-03-06. Review status: criteria provided, single submitter. Criteria: Ambry Variant Classification Scheme 2023. Collection method: clinical testing. Allele origin: germline.
Comment: The p.N493D variant (also known as c.1477A>G), located in coding exon 6 of the WNK2 gene, results from an A to G substitution at nucleotide position 1477. The asparagine at codon 493 is replaced by aspartic acid, an amino acid with highly similar properties. This amino acid position is conserved. In addition, this alteration is predicted to be tolerated by in silico analysis. Based on the available evidence, the clinical significance of this variant remains unclear.